The following is an entry in ClinVar:

ClinVar aggregate classification (germline): Uncertain significance (1 of 4 stars; one submission).

Conditions:
Epidermolysis bullosa simplex 5C, with pyloric atresia (EBS5C). Also called: PLEC1-Related Epidermolysis Bullosa with Pyloric Atresia; PLEC-Related Epidermolysis Bullosa with Pyloric Atresia; Epidermolysis bullosa simplex with pyloric atresia. Identifiers: Orphanet 158684, MedGen C2677349, MONDO:0012807, OMIM 612138.
Epidermolysis bullosa simplex with nail dystrophy (EBS5D). Identifiers: MedGen C4225309, MONDO:0014661, OMIM 616487.
Autosomal recessive limb-girdle muscular dystrophy type 2Q (LGMDR17). Also called: MUSCULAR DYSTROPHY, LIMB-GIRDLE, AUTOSOMAL RECESSIVE 17. Identifiers: Orphanet 254361, MedGen C3150989, MONDO:0013390, OMIM 613723.
Epidermolysis bullosa simplex 5B, with muscular dystrophy (EBS5B). Also called: Epidermolysis bullosa simplex with muscular dystrophy; EPIDERMOLYSIS BULLOSA SIMPLEX AND LIMB-GIRDLE MUSCULAR DYSTROPHY. Identifiers: Orphanet 257, MedGen C2931072, MONDO:0009181, OMIM 226670.
Epidermolysis bullosa simplex, Ogna type (EBS5A). Also called: Pidermolysis bullosa simplex 5A, Ogna type; EPIDERMOLYSIS BULLOSA SIMPLEX 5A, OGNA TYPE. Identifiers: Orphanet 79401, MedGen C0432317, MONDO:0007555, OMIM 131950.

Allele frequency attached by ClinVar (database versions not stated): ExAC below 0.00001; gnomAD 0.00001; gnomAD exomes 0.00001; TOPMed 0.00004.
gnomAD v4.1: 22 of 1,586,240 alleles (0.0014%); highest among the groups gnomAD compares: East Asian, 0.0023%; no homozygotes.

Submission:

Labcorp Genetics (formerly Invitae), Labcorp
Classification: Uncertain significance for Autosomal recessive limb-girdle muscular dystrophy type 2Q; Epidermolysis bullosa simplex, Ogna type; Epidermolysis bullosa simplex with nail dystrophy; Epidermolysis bullosa simplex 5C, with pyloric atresia; Epidermolysis bullosa simplex 5B, with muscular dystrophy. Last evaluated: 2024-02-17. Review status: criteria provided, single submitter. Criteria: Invitae Variant Classification Sherloc (09022015). Collection method: clinical testing. Allele origin: germline.
Comment: This sequence change replaces arginine, which is basic and polar, with glutamine, which is neutral and polar, at codon 1181 of the PLEC protein (p.Arg1181Gln). This variant is not present in population databases (gnomAD no frequency). This variant has not been reported in the literature in individuals affected with PLEC-related conditions. ClinVar contains an entry for this variant (Variation ID: 575906). Experimental studies and prediction algorithms are not available or were not evaluated, and the functional significance of this variant is currently unknown. In summary, the available evidence is currently insufficient to determine the role of this variant in disease. Therefore, it has been classified as a Variant of Uncertain Significance.

NM_201384.3(PLEC):c.3461G>A (p.Arg1154Gln)

Gene: PLEC (plectin; minus strand). Cytogenetic location: 8q24.3.
Variant type: single nucleotide variant.
Coding change: c.3461G>A on transcript NM_201384.3 (MANE Select); coding-DNA position 3461, G replaced by A.
Protein change: p.Arg1154Gln; replaces arginine 1154 with glutamine.
Molecular consequence: missense variant.
Genome position (GRCh38, 1-based): chr8:143,927,705, C>T on the plus strand (G>A on the coding strand, the complement: PLEC is on the minus strand). VCF-style: chr8-143927705-C-T. GRCh37 (hg19) VCF-style: chr8-145001873-C-T.
Other names: c.3542G>A, p.Arg1181Gln (NM_000445.5); c.3419G>A, p.Arg1140Gln (NM_201378.4); c.3395G>A, p.Arg1132Gln (NM_201379.3); c.3872G>A, p.Arg1291Gln (NM_201380.4); c.3365G>A, p.Arg1122Gln (NM_201381.3); c.3461G>A, p.Arg1154Gln (NM_201382.4); c.3473G>A, p.Arg1158Gln (NM_201383.3); short protein forms R1132Q, R1140Q, R1122Q, R1154Q, R1158Q, R1181Q, R1291Q.
Identifiers: ClinVar variation 575906 (VCV000575906.6), dbSNP rs781804291, ClinGen allele CA4927056.